The following is an entry in ClinVar:

ClinVar aggregate classification (germline): Uncertain significance (1 of 4 stars; one submission).

Conditions:
RASopathy. Also called: Noonan spectrum disorder; rasopathies. Identifiers: Orphanet 536391, MedGen C5555857, MONDO:0021060.

Submission:

Labcorp Genetics (formerly Invitae), Labcorp
Classification: Uncertain significance for RASopathy. Last evaluated: 2023-11-19. Review status: criteria provided, single submitter. Criteria: Invitae Variant Classification Sherloc (09022015). Collection method: clinical testing. Allele origin: germline.
Comment: This sequence change replaces isoleucine, which is neutral and non-polar, with methionine, which is neutral and non-polar, at codon 516 of the SOS1 protein (p.Ile516Met). This variant is not present in population databases (gnomAD no frequency). This variant has not been reported in the literature in individuals affected with SOS1-related conditions. Advanced modeling of protein sequence and biophysical properties (such as structural, functional, and spatial information, amino acid conservation, physicochemical variation, residue mobility, and thermodynamic stability) performed at Invitae indicates that this missense variant is expected to disrupt SOS1 protein function with a positive predictive value of 80%. In summary, the available evidence is currently insufficient to determine the role of this variant in disease. Therefore, it has been classified as a Variant of Uncertain Significance.

NM_005633.4(SOS1):c.1548A>G (p.Ile516Met)

Gene: SOS1 (SOS Ras/Rac guanine nucleotide exchange factor 1; minus strand). Cytogenetic location: 2p22.1.
Variant type: single nucleotide variant.
Coding change: c.1548A>G on transcript NM_005633.4 (MANE Select); coding-DNA position 1548, A replaced by G.
Protein change: p.Ile516Met; replaces isoleucine 516 with methionine.
Molecular consequence: missense variant.
Genome position (GRCh38, 1-based): chr2:39,022,880, T>C on the plus strand (A>G on the coding strand, the complement: SOS1 is on the minus strand). VCF-style: chr2-39022880-T-C. GRCh37 (hg19) VCF-style: chr2-39250021-T-C.
Other names: c.1527A>G, p.Ile509Met (NM_001382394.1); c.1548A>G, p.Ile516Met (NM_001382395.1); short protein forms I509M, I516M.
Identifiers: ClinVar variation 3023848 (VCV003023848.3), dbSNP rs2529036270, ClinGen allele CA346365918.